The following is an entry in ClinVar:

ClinVar aggregate classification (germline): Conflicting classifications of pathogenicity. Review status: criteria provided, conflicting classifications (1 of 4 stars). 4 submissions from 4 submitters: Uncertain significance (1); Likely benign (3). Last evaluated 2025-10-14.

Conditions:
Idiopathic generalized epilepsy. Also called: Generalised epilepsy; EIG. Identifiers: MedGen C0270850, MONDO:0005579, OMIM 600669.
Hyperaldosteronism, familial, type IV (HALD4). Also called: FH IV; ALDOSTERONISM, PRIMARY, AND HYPERTENSION. Identifiers: Orphanet 642671, MedGen C4310756, MONDO:0014875, OMIM 617027.

Allele frequency attached by ClinVar (database versions not stated): gnomAD 0.00007 and 0.00012; TOPMed 0.00010; gnomAD exomes 0.00021 and 0.00037; ExAC 0.00069.
gnomAD v4.1: 338 of 1,586,140 alleles (0.021%); highest among the groups gnomAD compares: South Asian, 0.19%; 5 homozygotes.

Submissions (4):

Labcorp Genetics (formerly Invitae), Labcorp
Classification: Likely benign for Idiopathic generalized epilepsy; Hyperaldosteronism, familial, type IV. Last evaluated: 2025-10-14. Review status: criteria provided, single submitter. Criteria: Invitae Variant Classification Sherloc (09022015). Collection method: clinical testing. Allele origin: germline.

Athena Diagnostics
Classification: Likely benign. Last evaluated: 2024-12-09. Review status: criteria provided, single submitter. Criteria: Athena Diagnostics Criteria. Collection method: clinical testing. Allele origin: unknown.
Comment: The frequency of this variant in the general population is higher than would generally be expected for pathogenic variants in this gene. This variant has been seen where an alternate explanation for disease was also identified.

Blueprint Genetics
Classification: Likely benign. Last evaluated: 2024-11-05. Review status: criteria provided, single submitter. Criteria: ACMG Guidelines, 2015. Collection method: clinical testing. Allele origin: germline.

GeneDx
Classification: Uncertain significance. Last evaluated: 2023-12-14. Review status: criteria provided, single submitter. Criteria: GeneDx Variant Classification Process June 2021. Collection method: clinical testing. Allele origin: germline. Affected: yes.
Comment: Reported with a second variant on the opposite allele (in trans) in a patient with myoclonic-atonic epilepsy in published literature (PMID: 31170314); In silico analysis supports that this missense variant does not alter protein structure/function; This variant is associated with the following publications: (PMID: 34426522, 31170314)

Literature cited by the submitters: PubMed 31170314 (cited by Athena Diagnostics); PubMed 34426522 (cited by Athena Diagnostics).

NM_021098.3(CACNA1H):c.3283G>A (p.Asp1095Asn)

Gene: CACNA1H (calcium voltage-gated channel subunit alpha1 H; plus strand). Cytogenetic location: 16p13.3.
Variant type: single nucleotide variant.
Coding change: c.3283G>A on transcript NM_021098.3 (MANE Select); coding-DNA position 3283, G replaced by A.
Protein change: p.Asp1095Asn; replaces aspartic acid 1095 with asparagine.
Molecular consequence: missense variant.
Genome position (GRCh38, 1-based): chr16:1,208,141, G>A. VCF-style: chr16-1208141-G-A. GRCh37 (hg19) VCF-style: chr16-1258141-G-A.
Other names: c.3283G>A, p.Asp1095Asn (NM_001005407.2); short protein forms D1095N.
Identifiers: ClinVar variation 775033 (VCV000775033.13), dbSNP rs748648178, ClinGen allele CA7800705.
Genomic context (GRCh38, chr16:1,208,141, plus strand): 5'-CCCCTCATCATGTGCACAGCTGCCACGCCCATGCCTACCCCCAAGAGCTCACCATTCCTG[G>A]ATGCAGCCCCCAGCCTCCCAGACTCTCGGCGTGGCAGCAGCAGCTCCGGGGACCCGCCAC-3'
Protein context (NP_066921.2, residues 1085-1105): MPTPKSSPFL[Asp1095Asn]AAPSLPDSRR